The following is an entry in ClinVar:

ClinVar aggregate classification (germline): Benign. Review status: reviewed by expert panel (3 of 4 stars). 2 submissions from 2 submitters: Benign (1). 1 of the submissions does not count toward it. Last evaluated 2015-01-12.

Conditions:
Breast-ovarian cancer, familial, susceptibility to, 1 (BROVCA1). Also called: BRCA1 Hereditary Breast and Ovarian Cancer; OVARIAN CANCER, SUSCEPTIBILITY TO. Identifiers: Orphanet 145, MedGen C2676676, MONDO:0011450, OMIM 604370. Disease mechanism: loss of function.

Allele frequency attached by ClinVar (database versions not stated): gnomAD 0.29366 and 0.28525; 1000 Genomes Project 30x 0.31668; 1000 Genomes Project 0.32428; TOPMed 0.27253.
gnomAD v4.1: 44,681 of 151,992 alleles (29%); highest among the groups gnomAD compares: South Asian, 49%; 7,170 homozygotes.

Submissions (2):

Evidence-based Network for the Interpretation of Germline Mutant Alleles (ENIGMA)
Classification: Benign for Breast-ovarian cancer, familial 1. Last evaluated: 2015-01-12. Review status: reviewed by expert panel. Criteria: ENIGMA BRCA1/2 Classification Criteria (2015). Collection method: curation. Allele origin: germline.
Comment: Class 1 not pathogenic based on frequency >1% in an outbred sampleset. Frequency 0.3304 (Asian), 0.128 (African), 0.3575 (European), derived from 1000 genomes (2012-04-30).

Breakthrough Genomics
Classification: Benign. Review status: criteria provided, single submitter. Criteria: ACMG Guidelines, 2015. Collection method: not provided. Allele origin: germline. Inheritance: Autosomal recessive inheritance. Affected: yes. Not counted in ClinVar's aggregate classification.

NM_007294.4(BRCA1):c.5193+1354G>A

Gene: BRCA1 (BRCA1 DNA repair associated; minus strand). Cytogenetic location: 17q21.31.
Variant type: single nucleotide variant.
Coding change: c.5193+1354G>A on transcript NM_007294.4 (MANE Select); 1354 bases into the intron after coding-DNA position 5193, G replaced by A.
Molecular consequence: intron variant.
Genome position (GRCh38, 1-based): chr17:43,061,979, C>T on the plus strand (G>A on the coding strand, the complement: BRCA1 is on the minus strand). VCF-style: chr17-43061979-C-T. GRCh37 (hg19) VCF-style: chr17-41213996-C-T.
Other names: IVS 19+1354G>A; c.1740+1354G>A (NM_001408458.1, NM_001408461.1, NM_001408464.1 and 7 more transcripts); c.4302+1354G>A (NM_001407967.1); c.4812+1354G>A (NM_001407959.1); c.4926+1354G>A (NM_001407931.1, NM_001407932.1, NM_001407928.1 and 4 more transcripts); c.5049+1354G>A (NM_001407747.1, NM_001407745.1, NM_001407737.1 and 21 more transcripts); c.4809+1354G>A (NM_001407962.1, NM_001407960.1); c.1380+1354G>A (NM_001408512.1); and 73 more.
Identifiers: ClinVar variation 209318 (VCV000209318.3), dbSNP rs8176265, ClinGen allele CA276290.
Genomic context (GRCh38, chr17:43,061,979, plus strand): 5'-CTGTTGTCACAGAAGTTCTCAGATGGCTGTTCTGAAATTATTCCTCCTCCTACACTCTAT[C>T]TTATTTACTTCTCACTGTTCTCAGTATCATAAAGTGCAACATCTTTTTGAAGCAATCTGA-3'